The following is an entry in ClinVar:

ClinVar aggregate classification (germline): Pathogenic (0 of 4 stars; one submission).

Conditions:
Epilepsy, familial adult myoclonic, 2 (FAME2). Also called: BENIGN ADULT FAMILIAL MYOCLONIC EPILEPSY 2; CORTICAL MYOCLONUS AND EPILEPSY, AUTOSOMAL DOMINANT; CORTICAL MYOCLONIC TREMOR WITH EPILEPSY, FAMILIAL, 2. Identifiers: Orphanet 86814, MedGen C1842852, MONDO:0011930, OMIM 607876.

Submission:

Neurogenetics Research Program, University of Adelaide
Classification: Pathogenic for Epilepsy, familial adult myoclonic, 2. Last evaluated: 2019-06-03. Review status: no assertion criteria provided. Collection method: research. Allele origin: germline. Inheritance: Autosomal dominant inheritance. Affected: yes. Observed: 1 variant allele, 1 heterozygote.
Comment: This expansion or ones with the same sequence composition of similar size segregates with disease in 158 individuals from 22 families diagnosed with FAME. 16 of these families have confirmed linkage to chromosome 2 with an interval that spans the STARD7 gene.

NM_020151.3(STARD7):c.291-1572_291-1518ATTTT[376]ATTTC[274]

Gene: STARD7 (StAR related lipid transfer domain containing 7; minus strand). Cytogenetic location: 2q11.2.
Variant type: Microsatellite.
Coding change: c.291-1572_291-1518ATTTT[376]ATTTC[274] on transcript NM_020151.3.
Identifiers: ClinVar variation 635132 (VCV000635132.3).